The following is an entry in ClinVar:

NM_005591.4(MRE11):c.529G>A (p.Ala177Thr)

Gene: MRE11 (MRE11 double strand break repair nuclease; minus strand). Cytogenetic location: 11q21.
Variant type: single nucleotide variant.
Coding change: c.529G>A on transcript NM_005591.4 (MANE Select); coding-DNA position 529, G replaced by A.
Protein change: p.Ala177Thr; replaces alanine 177 with threonine.
Molecular consequence: missense variant.
Genome position (GRCh38, 1-based): chr11:94,478,750, C>T on the plus strand (G>A on the coding strand, the complement: MRE11 is on the minus strand). VCF-style: chr11-94478750-C-T. GRCh37 (hg19) VCF-style: chr11-94211916-C-T.
Other names: p.A177T:GCG>ACG; c.529G>A, p.Ala177Thr (NM_001330347.2, NM_005590.4); short protein forms A177T.
Identifiers: ClinVar variation 127983 (VCV000127983.31), dbSNP rs142996063, ClinGen allele CA331846.

ClinVar aggregate classification (germline): Conflicting classifications of pathogenicity. Review status: criteria provided, conflicting classifications (1 of 4 stars). 15 submissions from 15 submitters: Uncertain significance (10); Likely benign (4). 1 of the submissions does not count toward it. Last evaluated 2026-07-17.

Conditions:
MRE11-related disorder. Also called: MRE11-related condition.
Hereditary cancer. Identifiers: MedGen C1333600.
Ataxia-telangiectasia-like disorder (ATLD). Identifiers: MedGen C1858391, MONDO:0011457.
Hereditary cancer-predisposing syndrome. Also called: Neoplastic Syndromes, Hereditary; Tumor predisposition; Hereditary Cancer Syndrome; Hereditary neoplastic syndrome. Identifiers: Orphanet 140162, MedGen C0027672, MeSH D009386, MONDO:0015356.
Hereditary breast ovarian cancer syndrome. Also called: BRCA1- and BRCA2-Associated Hereditary Breast and Ovarian Cancer; Hereditary breast and ovarian cancer; Hereditary breast and ovarian cancer syndrome; Hereditary breast and ovarian cancer syndrome (HBOC); Breast and ovarian cancer; Hereditary breast and/or ovarian cancer syndrome. Identifiers: Orphanet 145, MedGen C0677776, MeSH D061325, MONDO:0003582. Disease mechanism: loss of function.
Ataxia-telangiectasia-like disorder 1 (ATLD1). Identifiers: Orphanet 251347, MedGen C4012790, MONDO:0024557, OMIM 604391.

Allele frequency attached by ClinVar (database versions not stated): gnomAD 0.00010 and 0.00011; gnomAD exomes 0.00020 and 0.00021; TOPMed 0.00020; ExAC 0.00021; ESP Exome Variant Server 0.00023.

Submissions (15):

PreventionGenetics, part of Exact Sciences
Classification: Uncertain significance for MRE11-related condition. Last evaluated: 2026-07-17. Review status: criteria provided, single submitter. Criteria: ACMG Guidelines, 2015. Collection method: clinical testing. Allele origin: germline.
Comment: The MRE11 c.529G>A variant is predicted to result in the amino acid substitution p.Ala177Thr. This variant was reported in patients with breast, ovarian or colorectal cancer (Table S1, Castéra et al. 2014. PubMed ID: 24549055; Table S3, Rizzolo et al. 2019. PubMed ID: 30613976; Table S5, Tsaousis et al. 2019. PubMed ID: 31159747; Belhadj et al. 2020. PubMed ID: 32449991; Couch FJ et al. 2014. PubMed ID: 25452441). This variant is reported in 0.15% of alleles in individuals of Ashkenazi Jewish descent in gnomAD, including one homozygote and has conflicting interpretations regarding its pathogenicity in ClinVar, ranging from likely benign to uncertain (Variation ID: 127983). Although we suspect that this variant may be benign, at this time, the clinical significance of this variant is uncertain due to the absence of conclusive functional and genetic evidence.

Labcorp Genetics (formerly Invitae), Labcorp
Classification: Uncertain significance for Ataxia-telangiectasia-like disorder. Last evaluated: 2026-01-25. Review status: criteria provided, single submitter. Criteria: Invitae Variant Classification Sherloc (09022015). Collection method: clinical testing. Allele origin: germline.
Comment: This sequence change replaces alanine, which is neutral and non-polar, with threonine, which is neutral and polar, at codon 177 of the MRE11 protein (p.Ala177Thr). This variant is present in population databases (rs142996063, gnomAD 0.2%), including at least one homozygous and/or hemizygous individual. This missense change has been observed in individual(s) with a personal and/or family history of breast or ovarian cancer (PMID: 24549055, 25452441, 26534844). ClinVar contains an entry for this variant (Variation ID: 127983). An algorithm developed to predict the effect of missense changes on protein structure and function (PolyPhen-2) suggests that this variant is likely to be disruptive. In summary, the available evidence is currently insufficient to determine the role of this variant in disease. Therefore, it has been classified as a Variant of Uncertain Significance.

Women's Health and Genetics/Laboratory Corporation of America, LabCorp
Classification: Uncertain significance. Last evaluated: 2025-09-29. Review status: criteria provided, single submitter. Criteria: LabCorp Variant Classification Summary - May 2015. Collection method: clinical testing. Allele origin: germline.
Comment: Variant summary: MRE11 c.529G>A (p.Ala177Thr) results in a non-conservative amino acid change in the encoded protein sequence. Algorithms developed to predict the effect of missense changes on protein structure and function all suggest that this variant is likely to be disruptive. The variant allele was found at a frequency of 0.00021 in 250890 control chromosomes in the gnomAD database, including 1 homozygotes. This frequency is not significantly higher than estimated for disease-causing variants in MRE11, allowing no conclusion about variant significance. c.529G>A has been observed in individuals affected with breast cancer and colorectal cancer (Akcan_2025, Belhadj_2020, Castera_2014, Rizzolo_2019, Tsaousis_2019, de Oliveira_2022). These data do not allow any conclusion about variant significance in disease. To our knowledge, no experimental evidence demonstrating an impact on protein function has been reported. The following publications have been ascertained in the context of this evaluation (PMID: 40008663, 32449991, 24549055, 30613976, 31159747, 35534704). ClinVar contains an entry for this variant (Variation ID: 127983). Based on the evidence outlined above, the variant was classified as uncertain significance.

Ambry Genetics
Classification: Uncertain significance for Hereditary cancer-predisposing syndrome. Last evaluated: 2025-08-26. Review status: criteria provided, single submitter. Criteria: Ambry Variant Classification Scheme 2023. Collection method: clinical testing. Allele origin: germline.
Comment: The p.A177T variant (also known as c.529G>A), located in coding exon 5 of the MRE11A gene, results from a G to A substitution at nucleotide position 529. The alanine at codon 177 is replaced by threonine, an amino acid with similar properties. This variant has been reported in studies of patients with triple negative breast cancer who were unselected for family history of breast or ovarian cancer, in BRCA1/2-negative patients with early-onset breast cancer, and in patients with familial breast cancer and other hereditary cancers (Couch FJ et al. J. Clin. Oncol. 2015 Feb;33:304-11; Maxwell KN et al. Genet. Med. 2015 Aug;17:630-8; Li J et al. J. Med. Genet. 2016 Jan;53:34-42; Tsaousis GN et al. BMC Cancer 2019 Jun;19(1):535). This variant was also identified in 1 of 523 BRCA1/2 negative male breast cancer patients undergoing multigene panel testing (Rizzolo P et al. Int J Cancer, 2019 Jul;145:390-400). This amino acid position is highly conserved in available vertebrate species. In addition, this alteration is predicted to be deleterious by in silico analysis. Since supporting evidence is limited at this time, the clinical significance of this alteration remains unclear.

Quest Diagnostics Nichols Institute San Juan Capistrano
Classification: Likely benign. Last evaluated: 2025-08-13. Review status: criteria provided, single submitter. Criteria: Quest Diagnostics criteria. Collection method: clinical testing. Allele origin: unknown.

Mendelics
Classification: Likely benign for Hereditary cancer. Last evaluated: 2025-02-26. Review status: criteria provided, single submitter. Criteria: ACMG Guidelines, 2015. Collection method: clinical testing. Allele origin: unknown.
Comment: This variant is considered likely benign or benign based on one or more of the following: it is predicted to be benign by multiple in silico algorithms, and/or has population frequency not consistent with disease, and/or has normal protein function, and/or has lack of segregation with disease, and/or has been detected in co-occurrence with known pathogenic variant, and/or has lack of disease association in case-control studies, and/or is located in a region inconsistent with a known cause of pathogenicity.

Blueprint Genetics
Classification: Likely benign. Last evaluated: 2024-11-05. Review status: criteria provided, single submitter. Criteria: ACMG Guidelines, 2015. Collection method: clinical testing. Allele origin: germline.

German Consortium for Hereditary Breast and Ovarian Cancer, University Hospital Cologne
Classification: Uncertain significance for Hereditary breast ovarian cancer syndrome. Last evaluated: 2024-09-10. Review status: criteria provided, single submitter. Criteria: ACMG Guidelines, 2015. Collection method: curation. Allele origin: germline.
Comment: According to the ACMG SVI adaptation criteria we chose these criteria: PP3 (strong pathogenic): REVEL: 0.956 --> pathogenic strong BayesDel noAF: 0.4376 --> pathogenic moderate , BS1 (strong benign): Grpmax Filtering AF (95% confidence) 0.0001123

Sema4
Classification: Uncertain significance for Hereditary cancer-predisposing syndrome. Last evaluated: 2021-12-17. Review status: criteria provided, single submitter. Criteria: Sema4 Curation Guidelines. Collection method: curation. Allele origin: germline.
Comment: The MRE11 c.529G>A (p.A177T) variant has been reported in heterozygosity in multiple individuals with with a personal or family history of breast cancer, ovarian cancer, or MMR-proficient colorectal cancer (PMID: 24549055, 30613976, 31159747, 32449991, 25452441, 25503501, 26534844). The variant was also identified in 29/60466 breast cancer cases and 28/53461 healthy controls in a large case-control study, suggesting the variant is not enriched in cases compared with controls (PMID: 33471991). This variant was observed in 15/10070 chromosomes in the Ashkenazi Jewish population, with one homozygote among all ethnicities, according to the Genome Aggregation Database (PMID: 32461654). This variant has been reported in ClinVar (Variation ID: 127983). In silico tools suggest the impact of the variant on protein function is deleterious, though these predictions have not been confirmed by functional studies. Based on the current evidence available, this variant is interpreted as a variant of uncertain significance.

GeneDx
Classification: Uncertain significance. Last evaluated: 2021-01-06. Review status: criteria provided, single submitter. Criteria: GeneDx Variant Classification Process June 2021. Collection method: clinical testing. Allele origin: germline. Affected: yes.
Comment: In silico analysis supports that this missense variant has a deleterious effect on protein structure/function; Observed in individuals with a personal or family history including breast, ovarian, and colorectal cancer (Castera 2014, Belhadj 2020); This variant is associated with the following publications: (PMID: 32449991, 24549055, 31159747)

Athena Diagnostics
Classification: Likely benign. Last evaluated: 2020-09-16. Review status: criteria provided, single submitter. Criteria: Athena Diagnostics criteria. Collection method: clinical testing. Allele origin: unknown.

Fulgent Genetics
Classification: Uncertain significance for Ataxia-telangiectasia-like disorder 1. Last evaluated: 2018-10-31. Review status: criteria provided, single submitter. Criteria: ACMG Guidelines, 2015. Collection method: clinical testing. Allele origin: unknown.

GeneKor MSA
Classification: Uncertain significance for Hereditary cancer-predisposing syndrome. Last evaluated: 2018-08-01. Review status: criteria provided, single submitter. Criteria: ACMG Guidelines, 2015. Collection method: clinical testing. Allele origin: germline. Affected: yes.

Illumina Laboratory Services, Illumina
Classification: Uncertain significance for Ataxia-telangiectasia-like disorder 1. Last evaluated: 2018-01-13. Review status: criteria provided, single submitter. Criteria: ICSL Variant Classification Criteria 13 December 2019. Collection method: clinical testing. Allele origin: germline.

Counsyl
Classification: Uncertain significance for Ataxia-telangiectasia-like disorder 1. Last evaluated: 2017-08-15. Review status: no assertion criteria provided. Collection method: clinical testing. Allele origin: unknown. Not counted in ClinVar's aggregate classification.

Literature cited by the submitters: PubMed 24549055 (cited by 4 submitters); PubMed 25452441 (cited by 5 submitters); PubMed 26534844 (cited by 5 submitters); PubMed 31159747 (cited by Women's Health and Genetics/Laboratory Corporation of America, LabCorp and Sema4); PubMed 30613976 (cited by 3 submitters); PubMed 35534704 (cited by Women's Health and Genetics/Laboratory Corporation of America, LabCorp); PubMed 32449991 (cited by Women's Health and Genetics/Laboratory Corporation of America, LabCorp and Sema4); PubMed 40008663 (cited by Women's Health and Genetics/Laboratory Corporation of America, LabCorp); PubMed 25503501 (cited by 4 submitters); PubMed 33471991 (cited by Sema4).